The following is an entry in ClinVar:

ClinVar aggregate classification (germline): Uncertain significance. Review status: criteria provided, multiple submitters, no conflicts (2 of 4 stars). 2 submissions from 2 submitters: Uncertain significance (2). Last evaluated 2022-09-01.

Conditions:
Ataxia-telangiectasia syndrome (AT). Also called: Ataxia-telangiectasia, complementation group D; AT, COMPLEMENTATION GROUP C; Ataxia-telangiectasia, complementation group E; Cerebello-oculocutaneous telangiectasia; Immunodeficiency with ataxia telangiectasia; ATAXIA-TELANGIECTASIA, COMPLEMENTATION GROUP A. Identifiers: Orphanet 100, MedGen C0004135, MONDO:0008840, OMIM 208900.

Submissions (2):

Labcorp Genetics (formerly Invitae), Labcorp
Classification: Uncertain significance for Ataxia-telangiectasia syndrome. Last evaluated: 2022-09-01. Review status: criteria provided, single submitter. Criteria: Invitae Variant Classification Sherloc (09022015). Collection method: clinical testing. Allele origin: germline.
Comment: This variant has not been reported in the literature in individuals affected with ATM-related conditions. In summary, the available evidence is currently insufficient to determine the role of this variant in disease. Therefore, it has been classified as a Variant of Uncertain Significance. Advanced modeling of protein sequence and biophysical properties (such as structural, functional, and spatial information, amino acid conservation, physicochemical variation, residue mobility, and thermodynamic stability) performed at Invitae indicates that this missense variant is not expected to disrupt ATM protein function. ClinVar contains an entry for this variant (Variation ID: 584793). This variant is not present in population databases (gnomAD no frequency). This sequence change replaces cysteine, which is neutral and slightly polar, with phenylalanine, which is neutral and non-polar, at codon 1821 of the ATM protein (p.Cys1821Phe).

Mendelics
Classification: Uncertain significance for Ataxia-telangiectasia syndrome. Last evaluated: 2018-07-02. Review status: criteria provided, single submitter. Criteria: Mendelics Assertion Criteria 2017. Collection method: clinical testing. Allele origin: unknown.

NM_000051.4(ATM):c.5462G>T (p.Cys1821Phe)

Gene: ATM (ATM serine/threonine kinase; plus strand). Cytogenetic location: 11q22.3.
Variant type: single nucleotide variant.
Coding change: c.5462G>T on transcript NM_000051.4 (MANE Select); coding-DNA position 5462, G replaced by T.
Protein change: p.Cys1821Phe; replaces cysteine 1821 with phenylalanine.
Molecular consequence: missense variant.
Genome position (GRCh38, 1-based): chr11:108,302,995, G>T. VCF-style: chr11-108302995-G-T. GRCh37 (hg19) VCF-style: chr11-108173722-G-T.
Other names: c.5462G>T, p.Cys1821Phe (NM_001351834.2); short protein forms C1821F.
Identifiers: ClinVar variation 584793 (VCV000584793.11), dbSNP rs1565479431, ClinGen allele CA382544338.